The following is an entry in ClinVar:

NM_021930.6(RINT1):c.996+5G>A

Gene: RINT1 (RAD50 interactor 1; plus strand). Cytogenetic location: 7q22.3.
Variant type: single nucleotide variant.
Coding change: c.996+5G>A on transcript NM_021930.6 (MANE Select); 5 bases into the intron after coding-DNA position 996, G replaced by A.
Molecular consequence: intron variant.
Genome position (GRCh38, 1-based): chr7:105,548,715, G>A. VCF-style: chr7-105548715-G-A. GRCh37 (hg19) VCF-style: chr7-105189162-G-A.
Other names: c.-24+5G>A (NM_001346600.2); c.72+5G>A (NM_001346601.2); c.-27-1340G>A (NM_001346603.2); c.762+5G>A (NM_001346599.2).
Identifiers: ClinVar variation 2054462 (VCV002054462.4), dbSNP rs2485128263, ClinGen allele CA2580076109.
Genomic context (GRCh38, chr7:105,548,715, plus strand): 5'-AGAAGAGGTTCAGGTATCACTTCAGAGGGAACCGGCAGACTAATGTGTTAAGCAAGGTGT[G>A]TTTTGCCAGCTCTTGTCCTTGGTTTTTATTGGTAACAAATGTTAGAGTTTCTATACCTTT-3'

ClinVar aggregate classification (germline): Uncertain significance (1 of 4 stars; one submission).

Submission:

Labcorp Genetics (formerly Invitae), Labcorp
Classification: Uncertain significance. Last evaluated: 2021-12-23. Review status: criteria provided, single submitter. Criteria: Invitae Variant Classification Sherloc (09022015). Collection method: clinical testing. Allele origin: germline.
Comment: In summary, the available evidence is currently insufficient to determine the role of this variant in disease. Therefore, it has been classified as a Variant of Uncertain Significance. Variants that disrupt the consensus splice site are a relatively common cause of aberrant splicing (PMID: 17576681, 9536098). Algorithms developed to predict the effect of sequence changes on RNA splicing suggest that this variant may disrupt the consensus splice site. This variant has not been reported in the literature in individuals affected with RINT1-related conditions. This variant is not present in population databases (gnomAD no frequency). This sequence change falls in intron 7 of the RINT1 gene. It does not directly change the encoded amino acid sequence of the RINT1 protein. It affects a nucleotide within the consensus splice site.

Literature cited by the submitters: PubMed 17576681; PubMed 9536098.